The following is an entry in ClinVar:

ClinVar aggregate classification (germline): Uncertain significance (1 of 4 stars; one submission).

Allele frequency attached by ClinVar (database versions not stated): gnomAD exomes 0.00001; TOPMed 0.00002; ExAC 0.00003; gnomAD 0.00003; 1000 Genomes Project 30x 0.00016; 1000 Genomes Project 0.00020.

Submission:

GeneDx
Classification: Uncertain significance. Last evaluated: 2023-07-20. Review status: criteria provided, single submitter. Criteria: GeneDx Variant Classification Process June 2021. Collection method: clinical testing. Allele origin: germline. Affected: yes.
Comment: In silico analysis supports that this missense variant does not alter protein structure/function; Has not been previously published as pathogenic or benign to our knowledge

NM_001089.3(ABCA3):c.1325A>G (p.Asn442Ser)

Gene: ABCA3 (ATP binding cassette subfamily A member 3; minus strand). Cytogenetic location: 16p13.3.
Variant type: single nucleotide variant.
Coding change: c.1325A>G on transcript NM_001089.3 (MANE Select); coding-DNA position 1325, A replaced by G.
Protein change: p.Asn442Ser; replaces asparagine 442 with serine.
Molecular consequence: missense variant.
Genome position (GRCh38, 1-based): chr16:2,304,111, T>C on the plus strand (A>G on the coding strand, the complement: ABCA3 is on the minus strand). VCF-style: chr16-2304111-T-C. GRCh37 (hg19) VCF-style: chr16-2354112-T-C.
Other names: short protein forms N442S.
Identifiers: ClinVar variation 2573835 (VCV002573835.1), dbSNP rs552628670, ClinGen allele CA7841272.
Genomic context (GRCh38, chr16:2,304,111, plus strand): 5'-AGCACAGAGTCCAGCAGCAGCATCCCCAGCACCTGCCCGAAGCAGAAGTCGTCGTCCACG[T>C]TGACGGGACTCAGGAGGTCTCGCCACTGGATGCCCATGCCTGGAAGACACATCAGGAAAG-3'
Protein context (NP_001080.2, residues 432-452): IQWRDLLSPV[Asn442Ser]VDDDFCFGQV